The following is an entry in ClinVar:

NM_000936.4(PNLIP):c.799G>A (p.Gly267Arg)

Gene: PNLIP (pancreatic lipase; plus strand). Cytogenetic location: 10q25.3.
Variant type: single nucleotide variant.
Coding change: c.799G>A on transcript NM_000936.4 (MANE Select); coding-DNA position 799, G replaced by A.
Protein change: p.Gly267Arg; replaces glycine 267 with arginine.
Molecular consequence: missense variant.
Genome position (GRCh38, 1-based): chr10:116,555,495, G>A. VCF-style: chr10-116555495-G-A. GRCh37 (hg19) VCF-style: chr10-118315007-G-A.
Other names: c.799G>A (NM_000936.2); short protein forms G267R.
Identifiers: ClinVar variation 2879348 (VCV002879348.2), dbSNP rs62623373, ClinGen allele CA5706596.
Genomic context (GRCh38, chr10:116,555,495, plus strand): 5'-GGAGGAGTGGAAATGCCTGGATGTAAAAAGAACATTCTCTCTCAGATTGTGGACATAGAC[G>A]GAATCTGGGAAGGTAGAACTATTATGTGTAGAAAGAGATCTTCTTGGGAGAAAGCTTGTG-3'
Protein context (NP_000927.1, residues 257-277): NILSQIVDID[Gly267Arg]IWEGTRDFAA

ClinVar aggregate classification (germline): Uncertain significance. Review status: criteria provided, multiple submitters, no conflicts (2 of 4 stars). 2 submissions from 2 submitters: Uncertain significance (2). Last evaluated 2024-09-12.

Allele frequency attached by ClinVar (database versions not stated): TOPMed below 0.00001; ExAC 0.00001; gnomAD exomes 0.00001.

Submissions (2):

Ambry Genetics
Classification: Uncertain significance. Last evaluated: 2024-09-12. Review status: criteria provided, single submitter. Criteria: Ambry Variant Classification Scheme 2023. Collection method: clinical testing. Allele origin: germline.

Labcorp Genetics (formerly Invitae), Labcorp
Classification: Uncertain significance. Last evaluated: 2023-06-03. Review status: criteria provided, single submitter. Criteria: Invitae Variant Classification Sherloc (09022015). Collection method: clinical testing. Allele origin: germline.
Comment: This sequence change replaces glycine, which is neutral and non-polar, with arginine, which is basic and polar, at codon 267 of the PNLIP protein (p.Gly267Arg). The frequency data for this variant in the population databases is considered unreliable, as metrics indicate poor data quality at this position in the gnomAD database. In summary, the available evidence is currently insufficient to determine the role of this variant in disease. Therefore, it has been classified as a Variant of Uncertain Significance. Algorithms developed to predict the effect of sequence changes on RNA splicing suggest that this variant may disrupt the consensus splice site. An algorithm developed to predict the effect of missense changes on protein structure and function (PolyPhen-2) suggests that this variant¬†is likely to be tolerated. This variant has not been reported in the literature in individuals affected with PNLIP-related conditions.